The following is an entry in ClinVar:

NM_001563.4(IMPG1):c.83T>C (p.Ile28Thr)

Gene: IMPG1 (interphotoreceptor matrix proteoglycan 1; minus strand). Cytogenetic location: 6q14.1.
Variant type: single nucleotide variant.
Coding change: c.83T>C on transcript NM_001563.4 (MANE Select); coding-DNA position 83, T replaced by C.
Protein change: p.Ile28Thr; replaces isoleucine 28 with threonine.
Molecular consequence: missense variant. On other transcripts: intron variant (1).
Genome position (GRCh38, 1-based): chr6:76,042,111, A>G on the plus strand (T>C on the coding strand, the complement: IMPG1 is on the minus strand). VCF-style: chr6-76042111-A-G. GRCh37 (hg19) VCF-style: chr6-76751828-A-G.
Other names: c.68-7324T>C (NM_001282368.2); short protein forms I28T.
Identifiers: ClinVar variation 4884167 (VCV004884167.2).

ClinVar aggregate classification (germline): Likely benign (1 of 4 stars; one submission).

Submission:

Dasa
Classification: Likely benign. Last evaluated: 2025-11-10. Review status: criteria provided, single submitter. Criteria: DASA Assertion Criteria. Collection method: clinical testing. Allele origin: germline.
Comment: NM_001563.4(IMPG1):c.83T>C (p.Ile28Thr) is a missense variant that results in the substitution of isoleucine with threonine. The variant context is inconsistent with a known disease-causing mechanism. Therefore, based on the currently available evidence, this variant is classified as likely benign.